The following is an entry in ClinVar:

ClinVar aggregate classification (germline): Conflicting classifications of pathogenicity. Review status: criteria provided, conflicting classifications (1 of 4 stars). 3 submissions from 3 submitters: Uncertain significance (2); Likely benign (1). Last evaluated 2026-04-09.

Conditions:
SPTLC2-related disorder. Also called: SPTLC2-related condition.
Neuropathy, hereditary sensory and autonomic, type 1C. Also called: HSAN IC; HSN IC. Identifiers: Orphanet 36386, MedGen C3150896, MONDO:0013337, OMIM 613640.
Inborn genetic diseases. Identifiers: MedGen C0950123, MeSH D030342.

Allele frequency attached by ClinVar (database versions not stated): gnomAD 0.00001; TOPMed 0.00001; gnomAD exomes 0.00008; ExAC 0.00012.
gnomAD v4.1: 67 of 1,614,200 alleles (0.0042%); highest among the groups gnomAD compares: South Asian, 0.045%; no homozygotes.

Submissions (3):

PreventionGenetics, part of Exact Sciences
Classification: Uncertain significance for SPTLC2-related condition. Last evaluated: 2026-04-09. Review status: criteria provided, single submitter. Criteria: ACMG Guidelines, 2015. Collection method: clinical testing. Allele origin: germline.
Comment: The SPTLC2 c.1070G>A variant is predicted to result in the amino acid substitution p.Arg357Gln. To our knowledge, this variant has not been reported in the literature. This variant is reported in 0.052% of alleles in individuals of South Asian descent in gnomAD. Although we suspect that this variant may be benign, at this time, the clinical significance of this variant is uncertain due to the absence of conclusive functional and genetic evidence.

Labcorp Genetics (formerly Invitae), Labcorp
Classification: Uncertain significance for Neuropathy, hereditary sensory and autonomic, type 1C. Last evaluated: 2024-11-24. Review status: criteria provided, single submitter. Criteria: Invitae Variant Classification Sherloc (09022015). Collection method: clinical testing. Allele origin: germline.
Comment: This sequence change replaces arginine, which is basic and polar, with glutamine, which is neutral and polar, at codon 357 of the SPTLC2 protein (p.Arg357Gln). This variant is present in population databases (rs375669404, gnomAD 0.05%), and has an allele count higher than expected for a pathogenic variant. This variant has not been reported in the literature in individuals affected with SPTLC2-related conditions. ClinVar contains an entry for this variant (Variation ID: 658265). Invitae Evidence Modeling of protein sequence and biophysical properties (such as structural, functional, and spatial information, amino acid conservation, physicochemical variation, residue mobility, and thermodynamic stability) has been performed for this missense variant. However, the output from this modeling did not meet the statistical confidence thresholds required to predict the impact of this variant on SPTLC2 protein function. In summary, the available evidence is currently insufficient to determine the role of this variant in disease. Therefore, it has been classified as a Variant of Uncertain Significance.

Ambry Genetics
Classification: Likely benign for Inborn genetic diseases. Last evaluated: 2021-04-27. Review status: criteria provided, single submitter. Criteria: Ambry Variant Classification Scheme 2023. Collection method: clinical testing. Allele origin: germline.

NM_004863.4(SPTLC2):c.1070G>A (p.Arg357Gln)

Gene: SPTLC2 (serine palmitoyltransferase long chain base subunit 2; minus strand). Cytogenetic location: 14q24.3.
Variant type: single nucleotide variant.
Coding change: c.1070G>A on transcript NM_004863.4 (MANE Select); coding-DNA position 1070, G replaced by A.
Protein change: p.Arg357Gln; replaces arginine 357 with glutamine.
Molecular consequence: missense variant.
Genome position (GRCh38, 1-based): chr14:77,555,406, C>T on the plus strand (G>A on the coding strand, the complement: SPTLC2 is on the minus strand). VCF-style: chr14-77555406-C-T. GRCh37 (hg19) VCF-style: chr14-78021749-C-T.
Other names: short protein forms R357Q.
Identifiers: ClinVar variation 658265 (VCV000658265.13), dbSNP rs375669404, ClinGen allele CA7289283.